The following is an entry in ClinVar:

ClinVar aggregate classification (germline): Uncertain significance (1 of 4 stars; one submission).

Conditions:
RYR1-related disorder. Also called: RYR1-related condition; RYR1-related disorders. Identifiers: MedGen CN239331.

Submission:

Labcorp Genetics (formerly Invitae), Labcorp
Classification: Uncertain significance for RYR1-related disorder. Last evaluated: 2022-10-17. Review status: criteria provided, single submitter. Criteria: Invitae Variant Classification Sherloc (09022015). Collection method: clinical testing. Allele origin: germline.
Comment: This sequence change replaces alanine, which is neutral and non-polar, with proline, which is neutral and non-polar, at codon 1372 of the RYR1 protein (p.Ala1372Pro). In summary, the available evidence is currently insufficient to determine the role of this variant in disease. Therefore, it has been classified as a Variant of Uncertain Significance. Advanced modeling of protein sequence and biophysical properties (such as structural, functional, and spatial information, amino acid conservation, physicochemical variation, residue mobility, and thermodynamic stability) performed at Invitae indicates that this missense variant is not expected to disrupt RYR1 protein function. This variant has not been reported in the literature in individuals affected with RYR1-related conditions. This variant is not present in population databases (gnomAD no frequency).

NM_000540.3(RYR1):c.4114G>C (p.Ala1372Pro)

Gene: RYR1 (ryanodine receptor 1; plus strand). Cytogenetic location: 19q13.2.
Variant type: single nucleotide variant.
Coding change: c.4114G>C on transcript NM_000540.3 (MANE Select); coding-DNA position 4114, G replaced by C.
Protein change: p.Ala1372Pro; replaces alanine 1372 with proline.
Molecular consequence: missense variant.
Genome position (GRCh38, 1-based): chr19:38,473,725, G>C. VCF-style: chr19-38473725-G-C. GRCh37 (hg19) VCF-style: chr19-38964365-G-C.
Other names: c.4114G>C, p.Ala1372Pro (NM_001042723.2); short protein forms A1372P.
Identifiers: ClinVar variation 2095427 (VCV002095427.4), dbSNP rs1968562581, ClinGen allele CA405643140.
Genomic context (GRCh38, chr19:38,473,725, plus strand): 5'-GCGAAGGAGGGCGCCCCCGGGGGCACCCCGCAGGCGGGGGGAGAGGCGCAGCCCGCCAGG[G>C]CGGAGAATGAGAAGGATGCCACCACCGAGAAGAACAAGAAGAGAGGGTGAGTCGAGGGGG-3'
Protein context (NP_000531.2, residues 1362-1382): QAGGEAQPAR[Ala1372Pro]ENEKDATTEK